The following is an entry in ClinVar:

ClinVar aggregate classification (germline): Uncertain significance. Review status: criteria provided, multiple submitters, no conflicts (2 of 4 stars). 2 submissions from 2 submitters: Uncertain significance (2). Last evaluated 2020-08-07.

Conditions:
Neuronopathy, distal hereditary motor, autosomal recessive 4. Also called: Autosomal recessive lower motor neuron disease with childhood onset; NEUROPATHY, DISTAL HEREDITARY MOTOR, AUTOSOMAL RECESSIVE 4. Identifiers: Orphanet 206580, MedGen C1970211, MONDO:0012608, OMIM 611067.
Inborn genetic diseases. Identifiers: MedGen C0950123, MeSH D030342.

Submissions (2):

Ambry Genetics
Classification: Uncertain significance for Inborn genetic diseases. Last evaluated: 2020-08-07. Review status: criteria provided, single submitter. Criteria: Ambry Variant Classification Scheme 2023. Collection method: clinical testing. Allele origin: germline.
Comment: The p.P871L variant (also known as c.2612C>T), located in coding exon 19 of the PLEKHG5 gene, results from a C to T substitution at nucleotide position 2612. The proline at codon 871 is replaced by leucine, an amino acid with similar properties. This amino acid position is not well conserved in available vertebrate species. In addition, this alteration is predicted to be tolerated by in silico analysis. Since supporting evidence is limited at this time, the clinical significance of this alteration remains unclear.

Illumina Laboratory Services, Illumina
Classification: Uncertain significance for Neuronopathy, distal hereditary motor, autosomal recessive 4. Last evaluated: 2018-01-13. Review status: criteria provided, single submitter. Criteria: ICSL Variant Classification Criteria 13 December 2019. Collection method: clinical testing. Allele origin: germline.

NM_020631.6(PLEKHG5):c.2612C>T (p.Pro871Leu)

Gene: PLEKHG5 (pleckstrin homology and RhoGEF domain containing G5; minus strand). Cytogenetic location: 1p36.31.
Variant type: single nucleotide variant.
Coding change: c.2612C>T on transcript NM_020631.6 (MANE Select); coding-DNA position 2612, C replaced by T.
Protein change: p.Pro871Leu; replaces proline 871 with leucine.
Molecular consequence: missense variant.
Genome position (GRCh38, 1-based): chr1:6,468,224, G>A on the plus strand (C>T on the coding strand, the complement: PLEKHG5 is on the minus strand). VCF-style: chr1-6468224-G-A. GRCh37 (hg19) VCF-style: chr1-6528284-G-A.
Other names: c.2723C>T, p.Pro908Leu (NM_001042663.3, NM_001265592.2); c.2612C>T, p.Pro871Leu (NM_001042664.2, NM_001042665.2, NM_001265594.3 and 1 more transcripts); c.2819C>T, p.Pro940Leu (NM_001265593.2); short protein forms P871L, P940L, P908L.
Identifiers: ClinVar variation 297938 (VCV000297938.7), dbSNP rs886046498, ClinGen allele CA10611573.